The following is an entry in ClinVar:

ClinVar aggregate classification (germline): Conflicting classifications of pathogenicity. Review status: criteria provided, conflicting classifications (1 of 4 stars). 3 submissions from 3 submitters: Uncertain significance (1); Likely benign (1). 1 of the submissions does not count toward it. Last evaluated 2023-06-01.

Conditions:
Microcephaly, normal intelligence and immunodeficiency (NBS). Also called: Immunodeficiency, microcephaly with normal intelligence; Ataxia telangiectasia variant V1; IMMUNODEFICIENCY, MICROCEPHALY, AND CHROMOSOMAL INSTABILITY; SEEMANOVA SYNDROME II; Nijmegen breakage syndrome; Microcephaly with normal intelligence immunodeficiency and lymphoreticular malignancies. Identifiers: Orphanet 647, MedGen C0398791, MONDO:0009623, OMIM 251260.

Allele frequency attached by ClinVar (database versions not stated): 1000 Genomes Project 0.00120; 1000 Genomes Project 30x 0.00125; TOPMed 0.00413; gnomAD exomes 0.00437; gnomAD 0.00514 and 0.00535.
gnomAD v4.1: 1,245 of 263,790 alleles (0.47%); highest among the groups gnomAD compares: Non-Finnish European, 0.67%; 7 homozygotes.

Submissions (3):

CeGaT Center for Human Genetics Tuebingen
Classification: Likely benign. Last evaluated: 2023-06-01. Review status: criteria provided, single submitter. Criteria: CeGaT Center For Human Genetics Tuebingen Variant Classification Criteria Version 2. Collection method: clinical testing. Allele origin: germline. Affected: yes. Observed: 9 variant alleles.
Comment: NBN: BS2

Illumina Laboratory Services, Illumina
Classification: Uncertain significance for Microcephaly, normal intelligence and immunodeficiency. Last evaluated: 2018-01-12. Review status: criteria provided, single submitter. Criteria: ICSL Variant Classification Criteria 13 December 2019. Collection method: clinical testing. Allele origin: germline.

Harris Lab, University of Minnesota
No classification provided. Review status: no classification provided. Collection method: not provided. Allele origin: unknown. Not counted in ClinVar's aggregate classification.

NM_002485.5(NBN):c.*401C>G

Gene: NBN (nibrin; minus strand). Cytogenetic location: 8q21.3.
Variant type: single nucleotide variant.
Coding change: c.*401C>G on transcript NM_002485.5 (MANE Select); 401 bases downstream of the stop codon, C replaced by G.
Molecular consequence: 3 prime UTR variant.
Genome position (GRCh38, 1-based): chr8:89,935,181, G>C on the plus strand (C>G on the coding strand, the complement: NBN is on the minus strand). VCF-style: chr8-89935181-G-C. GRCh37 (hg19) VCF-style: chr8-90947409-G-C.
Other names: c.*401C>G (NM_001024688.3).
Identifiers: ClinVar variation 127007 (VCV000127007.29), dbSNP rs104895030, ClinGen allele CA230725.
Genomic context (GRCh38, chr8:89,935,181, plus strand): 5'-CAAGGTGTAGAACACTGCATATGTTATGCTATCATTTGTGTAGGAAATTATTTAAAAATA[G>C]GAATTTGAATAGGACTCAAAAATCCCTGGAAAGATTCATAAGAAATGAGTATCATGAATT-3'